The following is an entry in ClinVar:

NM_178862.3(STT3B):c.424-209T>C

Gene: STT3B (STT3 oligosaccharyltransferase complex catalytic subunit B; plus strand). Cytogenetic location: 3p23.
Variant type: single nucleotide variant.
Coding change: c.424-209T>C on transcript NM_178862.3 (MANE Select); 209 bases into the intron before coding-DNA position 424, T replaced by C.
Molecular consequence: intron variant.
Genome position (GRCh38, 1-based): chr3:31,579,600, T>C. VCF-style: chr3-31579600-T-C. GRCh37 (hg19) VCF-style: chr3-31621092-T-C.
Identifiers: ClinVar variation 4813933 (VCV004813933.1).

ClinVar aggregate classification (germline): Likely benign (1 of 4 stars; one submission).

gnomAD v4.1: 848 of 151,966 alleles (0.56%); highest among the groups gnomAD compares: African/African-American, 1.9%; 10 homozygotes.

Submission:

GeneDx
Classification: Likely benign. Last evaluated: 2019-10-29. Review status: criteria provided, single submitter. Criteria: GeneDx Variant Classification Process June 2021. Collection method: clinical testing. Allele origin: germline. Affected: yes.
Comment: See Variant Classification Assertion Criteria.